The following is an entry in ClinVar:

NM_001243925.2(MAPKAPK3):c.903C>A (p.His301Gln)

Gene: MAPKAPK3 (MAPK activated protein kinase 3; plus strand). Cytogenetic location: 3p21.2.
Variant type: single nucleotide variant.
Coding change: c.903C>A on transcript NM_001243925.2 (MANE Select); coding-DNA position 903, C replaced by A.
Protein change: p.His301Gln; replaces histidine 301 with glutamine.
Molecular consequence: missense variant.
Genome position (GRCh38, 1-based): chr3:50,646,813, C>A. VCF-style: chr3-50646813-C-A. GRCh37 (hg19) VCF-style: chr3-50684244-C-A.
Other names: c.903C>A, p.His301Gln (NM_001243926.2, NM_004635.5); short protein forms H301Q.
Identifiers: ClinVar variation 2179088 (VCV002179088.4), dbSNP rs759419783, ClinGen allele CA2420408.

ClinVar aggregate classification (germline): Uncertain significance (1 of 4 stars; one submission).

Allele frequency attached by ClinVar (database versions not stated): gnomAD 0.00001; TOPMed 0.00001.
gnomAD v4.1: 5 of 1,613,876 alleles (0.00031%); highest among the groups gnomAD compares: Non-Finnish European, 0.00042%; no homozygotes.

Submission:

Labcorp Genetics (formerly Invitae), Labcorp
Classification: Uncertain significance. Last evaluated: 2023-09-25. Review status: criteria provided, single submitter. Criteria: Invitae Variant Classification Sherloc (09022015). Collection method: clinical testing. Allele origin: germline.
Comment: This sequence change replaces histidine, which is basic and polar, with glutamine, which is neutral and polar, at codon 301 of the MAPKAPK3 protein (p.His301Gln). In summary, the available evidence is currently insufficient to determine the role of this variant in disease. Therefore, it has been classified as a Variant of Uncertain Significance. An algorithm developed to predict the effect of missense changes on protein structure and function (PolyPhen-2) suggests that this variant is likely to be tolerated. ClinVar contains an entry for this variant (Variation ID: 2179088). This variant has not been reported in the literature in individuals affected with MAPKAPK3-related conditions. This variant is present in population databases (rs759419783, gnomAD 0.002%).